The following is an entry in ClinVar:

NM_000180.4(GUCY2D):c.510T>C (p.Asp170=)

Gene: GUCY2D (guanylate cyclase 2D, retinal; plus strand). Cytogenetic location: 17p13.1.
Variant type: single nucleotide variant.
Coding change: c.510T>C on transcript NM_000180.4 (MANE Select); coding-DNA position 510, T replaced by C.
Protein change: p.Asp170=; no amino-acid change (aspartic acid 170 retained).
Molecular consequence: synonymous variant.
Genome position (GRCh38, 1-based): chr17:8,003,557, T>C. VCF-style: chr17-8003557-T-C. GRCh37 (hg19) VCF-style: chr17-7906875-T-C.
Identifiers: ClinVar variation 738343 (VCV000738343.11), dbSNP rs753886745, ClinGen allele CA8365503.

ClinVar aggregate classification (germline): Likely benign. Review status: criteria provided, multiple submitters, no conflicts (2 of 4 stars). 3 submissions from 3 submitters: Likely benign (2). 1 of the submissions does not count toward it. Last evaluated 2023-03-22.

Conditions:
GUCY2D-related disorder. Also called: GUCY2D-related condition.
Leber congenital amaurosis 1 (LCA1). Also called: RETINAL BLINDNESS, CONGENITAL; AMAUROSIS CONGENITA OF LEBER I; Congenital absence of the rods and cones; Leber's congenital tapetoretinal degeneration; Leber's congenital tapetoretinal dysplasia. Identifiers: Orphanet 65, MedGen C2931258, MONDO:0008764, OMIM 204000.
Cone-rod dystrophy 6 (CORD6). Also called: RETINAL CONE DYSTROPHY 2; Cone dystrophy progressive. Identifiers: Orphanet 1872, MedGen C1866293, MONDO:0011143, OMIM 601777.

Allele frequency attached by ClinVar (database versions not stated): gnomAD exomes 0.00001; TOPMed 0.00001; gnomAD 0.00003; ExAC 0.00004.
gnomAD v4.1: 34 of 1,573,142 alleles (0.0022%); highest among the groups gnomAD compares: Non-Finnish European, 0.0029%; no homozygotes.

Submissions (3):

Labcorp Genetics (formerly Invitae), Labcorp
Classification: Likely benign for Leber congenital amaurosis 1; Cone-rod dystrophy 6. Last evaluated: 2023-03-22. Review status: criteria provided, single submitter. Criteria: Invitae Variant Classification Sherloc (09022015). Collection method: clinical testing. Allele origin: germline.

Blueprint Genetics
Classification: Likely benign. Last evaluated: 2021-11-19. Review status: criteria provided, single submitter. Criteria: ACMG Guidelines, 2015. Collection method: clinical testing. Allele origin: germline.

PreventionGenetics, part of Exact Sciences
Classification: Likely benign for GUCY2D-related condition. Last evaluated: 2024-08-16. Review status: no assertion criteria provided. Collection method: clinical testing. Allele origin: germline. Not counted in ClinVar's aggregate classification.
Comment: This variant is classified as likely benign based on ACMG/AMP sequence variant interpretation guidelines (Richards et al. 2015 PMID: 25741868, with internal and published modifications).